The following is an entry in ClinVar:

NM_018249.6(CDK5RAP2):c.1712T>C (p.Leu571Pro)

Gene: CDK5RAP2 (CDK5 regulatory subunit associated protein 2; minus strand). Cytogenetic location: 9q33.2.
Variant type: single nucleotide variant.
Coding change: c.1712T>C on transcript NM_018249.6 (MANE Select); coding-DNA position 1712, T replaced by C.
Protein change: p.Leu571Pro; replaces leucine 571 with proline.
Molecular consequence: missense variant. On other transcripts: non-coding transcript variant (5).
Genome position (GRCh38, 1-based): chr9:120,477,365, A>G on the plus strand (T>C on the coding strand, the complement: CDK5RAP2 is on the minus strand). VCF-style: chr9-120477365-A-G. GRCh37 (hg19) VCF-style: chr9-123239643-A-G.
Other names: c.1712T>C, p.Leu571Pro (NM_001011649.3, NM_001272039.2); short protein forms L571P.
Identifiers: ClinVar variation 21642 (VCV000021642.49), dbSNP rs41296081, ClinGen allele CA171563.

ClinVar aggregate classification (germline): Benign/Likely benign. Review status: criteria provided, multiple submitters, no conflicts (2 of 4 stars). 8 submissions from 8 submitters: Benign (5); Likely benign (2). 1 of the submissions does not count toward it. Last evaluated 2026-07-01.

Conditions:
Microcephaly 3, primary, autosomal recessive. Identifiers: Orphanet 2512, MedGen C1858108, MONDO:0011488, OMIM 604804.

Allele frequency attached by ClinVar (database versions not stated): 1000 Genomes Project 0.00319; TOPMed 0.00620; ExAC 0.00868; 1000 Genomes Project 30x 0.00312; ESP Exome Variant Server 0.00723; gnomAD 0.00767 and 0.00774; gnomAD exomes 0.00844.
gnomAD v4.1: 12,765 of 1,610,960 alleles (0.79%); highest among the groups gnomAD compares: Non-Finnish European, 0.88%; 78 homozygotes.

Submissions (8):

CeGaT Center for Human Genetics Tuebingen
Classification: Likely benign. Last evaluated: 2026-07-01. Review status: criteria provided, single submitter. Criteria: CeGaT Center For Human Genetics Tuebingen Variant Classification Criteria Version 2. Collection method: clinical testing. Allele origin: germline. Affected: yes. Observed: 54 variant alleles.
Comment: CDK5RAP2: BS2

Labcorp Genetics (formerly Invitae), Labcorp
Classification: Benign. Last evaluated: 2026-02-02. Review status: criteria provided, single submitter. Criteria: Invitae Variant Classification Sherloc (09022015). Collection method: clinical testing. Allele origin: germline.

Blueprint Genetics
Classification: Benign. Last evaluated: 2024-11-27. Review status: criteria provided, single submitter. Criteria: ACMG Guidelines, 2015. Collection method: clinical testing. Allele origin: germline.

Fulgent Genetics
Classification: Likely benign for Microcephaly 3, primary, autosomal recessive. Last evaluated: 2021-08-09. Review status: criteria provided, single submitter. Criteria: ACMG Guidelines, 2015. Collection method: clinical testing. Allele origin: unknown.

GeneDx
Classification: Benign. Last evaluated: 2016-07-14. Review status: criteria provided, single submitter. Criteria: GeneDx Variant Classification (06012015). Collection method: clinical testing. Allele origin: germline. Affected: yes.
Comment: This variant is considered likely benign or benign based on one or more of the following criteria: it is a conservative change, it occurs at a poorly conserved position in the protein, it is predicted to be benign by multiple in silico algorithms, and/or has population frequency not consistent with disease.

Genetic Services Laboratory, University of Chicago
Classification: Benign. Last evaluated: 2013-02-08. Review status: criteria provided, single submitter. Criteria: ACMG Guidelines, 2007. Collection method: clinical testing. Allele origin: germline. Inheritance: Autosomal recessive inheritance.

Breakthrough Genomics
Classification: Benign. Review status: criteria provided, single submitter. Criteria: ACMG Guidelines, 2015. Collection method: not provided. Allele origin: germline. Inheritance: Autosomal recessive inheritance. Affected: yes.

GeneReviews
No classification provided. Condition: Microcephaly 3, primary, autosomal recessive. Review status: no classification provided. Collection method: literature only. Allele origin: unknown. Not counted in ClinVar's aggregate classification.

Literature cited by the submitters: PubMed 20301772 (cited by GeneReviews); NCBI Bookshelf NBK9587 (cited by GeneReviews).